The following is an entry in ClinVar:

NM_201384.3(PLEC):c.4898G>A (p.Arg1633His)

Gene: PLEC (plectin; minus strand). Cytogenetic location: 8q24.3.
Variant type: single nucleotide variant.
Coding change: c.4898G>A on transcript NM_201384.3 (MANE Select); coding-DNA position 4898, G replaced by A.
Protein change: p.Arg1633His; replaces arginine 1633 with histidine.
Molecular consequence: missense variant.
Genome position (GRCh38, 1-based): chr8:143,925,031, C>T on the plus strand (G>A on the coding strand, the complement: PLEC is on the minus strand). VCF-style: chr8-143925031-C-T. GRCh37 (hg19) VCF-style: chr8-144999199-C-T.
Other names: c.4979G>A (NM_000445.4, NM_000445.3); c.4979G>A, p.Arg1660His (NM_000445.5); c.4856G>A, p.Arg1619His (NM_201378.4); c.4832G>A, p.Arg1611His (NM_201379.3); c.5309G>A, p.Arg1770His (NM_201380.4); c.4802G>A, p.Arg1601His (NM_201381.3); c.4898G>A, p.Arg1633His (NM_201382.4); c.4910G>A, p.Arg1637His (NM_201383.3); short protein forms R1633H, R1637H, R1611H, R1619H, R1601H, R1770H, R1660H.
Identifiers: ClinVar variation 1044421 (VCV001044421.12), dbSNP rs782039716, ClinGen allele CA4926505.
Genomic context (GRCh38, chr8:143,925,031, plus strand): 5'-TGCGCCACCTCCTCCGCCTGCAGCCGCAGCCGTAGCGCCTCGTTGGCCTTGAGCTGCCAG[C>T]GCTCCAGCTCCCGCTCTGCCTCCTCGCGCGCCCGCTCGGCCTCGGCCTGCTGCTGTGCCC-3'
Protein context (NP_958786.1, residues 1623-1643): AREEAERELE[Arg1633His]WQLKANEALR

ClinVar aggregate classification (germline): Conflicting classifications of pathogenicity. Review status: criteria provided, conflicting classifications (1 of 4 stars). 5 submissions from 5 submitters: Uncertain significance (3); Likely benign (1). 1 of the submissions does not count toward it. Last evaluated 2025-12-10.

Conditions:
Epidermolysis bullosa simplex 5C, with pyloric atresia (EBS5C). Also called: PLEC-Related Epidermolysis Bullosa with Pyloric Atresia; Epidermolysis bullosa simplex with pyloric atresia; PLEC1-Related Epidermolysis Bullosa with Pyloric Atresia. Identifiers: Orphanet 158684, MedGen C2677349, MONDO:0012807, OMIM 612138.
Autosomal recessive limb-girdle muscular dystrophy type 2Q (LGMDR17). Also called: MUSCULAR DYSTROPHY, LIMB-GIRDLE, AUTOSOMAL RECESSIVE 17. Identifiers: Orphanet 254361, MedGen C3150989, MONDO:0013390, OMIM 613723.
Epidermolysis bullosa simplex with nail dystrophy (EBS5D). Identifiers: MedGen C4225309, MONDO:0014661, OMIM 616487.
Epidermolysis bullosa simplex, Ogna type (EBS5A). Also called: Pidermolysis bullosa simplex 5A, Ogna type; EPIDERMOLYSIS BULLOSA SIMPLEX 5A, OGNA TYPE. Identifiers: Orphanet 79401, MedGen C0432317, MONDO:0007555, OMIM 131950.
Epidermolysis bullosa simplex 5B, with muscular dystrophy (EBS5B). Also called: EPIDERMOLYSIS BULLOSA SIMPLEX AND LIMB-GIRDLE MUSCULAR DYSTROPHY; Epidermolysis bullosa simplex with muscular dystrophy. Identifiers: Orphanet 257, MedGen C2931072, MONDO:0009181, OMIM 226670.
PLEC-related disorder. Also called: PLEC-related condition; PLEC-related disorders.
Inborn genetic diseases. Identifiers: MedGen C0950123, MeSH D030342.

Allele frequency attached by ClinVar (database versions not stated): TOPMed 0.00004; ExAC 0.00013; 1000 Genomes Project 30x 0.00016.
gnomAD v4.1: 47 of 1,562,582 alleles (0.003%); highest among the groups gnomAD compares: South Asian, 0.0058%; no homozygotes.

Submissions (5):

Labcorp Genetics (formerly Invitae), Labcorp
Classification: Uncertain significance for Autosomal recessive limb-girdle muscular dystrophy type 2Q; Epidermolysis bullosa simplex, Ogna type; Epidermolysis bullosa simplex with nail dystrophy; Epidermolysis bullosa simplex 5C, with pyloric atresia; Epidermolysis bullosa simplex 5B, with muscular dystrophy. Last evaluated: 2025-12-10. Review status: criteria provided, single submitter. Criteria: Invitae Variant Classification Sherloc (09022015). Collection method: clinical testing. Allele origin: germline.
Comment: This sequence change replaces arginine, which is basic and polar, with histidine, which is basic and polar, at codon 1660 of the PLEC protein (p.Arg1660His). This variant is present in population databases (rs782039716, gnomAD 0.01%). This variant has not been reported in the literature in individuals affected with PLEC-related conditions. ClinVar contains an entry for this variant (Variation ID: 1044421). Invitae Evidence Modeling of protein sequence and biophysical properties (such as structural, functional, and spatial information, amino acid conservation, physicochemical variation, residue mobility, and thermodynamic stability) indicates that this missense variant is not expected to disrupt PLEC protein function with a negative predictive value of 80%. In summary, the available evidence is currently insufficient to determine the role of this variant in disease. Therefore, it has been classified as a Variant of Uncertain Significance.

Blueprint Genetics
Classification: Likely benign. Last evaluated: 2024-07-01. Review status: criteria provided, single submitter. Criteria: ACMG Guidelines, 2015. Collection method: clinical testing. Allele origin: germline.

Ambry Genetics
Classification: Uncertain significance for Inborn genetic diseases. Last evaluated: 2021-08-06. Review status: criteria provided, single submitter. Criteria: Ambry Variant Classification Scheme 2023. Collection method: clinical testing. Allele origin: germline.

Revvity Omics, Revvity
Classification: Uncertain significance. Last evaluated: 2020-09-10. Review status: criteria provided, single submitter. Criteria: ACMG Guidelines, 2015. Collection method: clinical testing. Allele origin: germline.

PreventionGenetics, part of Exact Sciences
Classification: Uncertain significance for PLEC-related condition. Last evaluated: 2024-04-11. Review status: no assertion criteria provided. Collection method: clinical testing. Allele origin: germline. Not counted in ClinVar's aggregate classification.
Comment: The PLEC c.4979G>A variant is predicted to result in the amino acid substitution p.Arg1660His. To our knowledge, this variant has not been reported in the literature. This variant is reported in 0.015% of alleles in individuals of European (Finnish) descent in gnomAD. At this time, the clinical significance of this variant is uncertain due to the absence of conclusive functional and genetic evidence.